The following is an entry in ClinVar:

ClinVar aggregate classification (germline): Uncertain significance (1 of 4 stars; one submission).

Submission:

GeneDx
Classification: Uncertain significance. Last evaluated: 2025-05-19. Review status: criteria provided, single submitter. Criteria: GeneDx Variant Classification Process June 2021. Collection method: clinical testing. Allele origin: germline. Affected: yes.
Comment: Not observed at significant frequency in large population cohorts (gnomAD); Has not been previously published as pathogenic or benign to our knowledge; Frameshift variant predicted to result in abnormal protein length as the last 484 amino acid(s) are replaced with 19 different amino acid(s) with an unclear effect on protein function

NM_016151.4(TAOK2):c.2255del (p.Pro752fs)

Gene: TAOK2 (TAO kinase 2; plus strand). Cytogenetic location: 16p11.2.
Variant type: Deletion.
Coding change: c.2255del on transcript NM_016151.4 (MANE Select); coding-DNA position 2255, one base deleted (C; older notation c.2255delC).
Protein change: p.Pro752fs; shifts the reading frame from proline 752.
Molecular consequence: frameshift variant. On other transcripts: intron variant (2).
Genome position (GRCh38, 1-based): chr16:29,986,527, C deleted; the last of 6 consecutive C bases (chr16:29,986,522-29,986,527); deleting any one gives the same sequence. VCF-style (leftmost placement, unchanged base first): chr16-29986521-GC-G. GRCh37 (hg19) VCF-style: chr16-29997842-GC-G.
Other names: c.2232+23del (NM_004783.4, NM_001252043.2); short protein forms P752fs.
Identifiers: ClinVar variation 4531070 (VCV004531070.1).